The following is an entry in ClinVar:

ClinVar aggregate classification (germline): Benign/Likely benign. Review status: criteria provided, multiple submitters, no conflicts (2 of 4 stars). 7 submissions from 7 submitters: Benign (5); Likely benign (1). 1 of the submissions does not count toward it. Last evaluated 2025-10-10.

Conditions:
SFTPB-related disorder. Also called: SFTPB-related condition.
Hereditary pulmonary alveolar proteinosis. Also called: Pulmonary surfactant metabolism dysfunction. Identifiers: Orphanet 264675, MedGen C3711368, MONDO:0012580.
Surfactant metabolism dysfunction, pulmonary, 1. Also called: INTERSTITIAL LUNG DISEASE DUE TO SURFACTANT PROTEIN B DEFICIENCY; INTERSTITIAL LUNG DISEASE, NONSPECIFIC, DUE TO SURFACTANT PROTEIN B DEFICIENCY; PULMONARY ALVEOLAR PROTEINOSIS, CONGENITAL, 1; Pulmonary surfactant protein B, deficiency of; Neonatal acute respiratory distress due to SP-B deficiency. Identifiers: Orphanet 217563, MedGen C1968602, MONDO:0009929, OMIM 265120.

Allele frequency attached by ClinVar (database versions not stated): gnomAD exomes 0.00123; ExAC 0.00172; 1000 Genomes Project 0.00339; 1000 Genomes Project 30x 0.00359; gnomAD 0.00477 and 0.00524; ESP Exome Variant Server 0.00531; TOPMed 0.00557.
gnomAD v4.1: 1,492 of 1,611,504 alleles (0.093%); highest among the groups gnomAD compares: African/African-American, 1.7%; 9 homozygotes.

Submissions (7):

Labcorp Genetics (formerly Invitae), Labcorp
Classification: Benign. Last evaluated: 2025-10-10. Review status: criteria provided, single submitter. Criteria: Invitae Variant Classification Sherloc (09022015). Collection method: clinical testing. Allele origin: germline.

Blueprint Genetics
Classification: Likely benign. Last evaluated: 2024-11-26. Review status: criteria provided, single submitter. Criteria: ACMG Guidelines, 2015. Collection method: clinical testing. Allele origin: germline.

Johns Hopkins Genomics, Johns Hopkins University
Classification: Benign for Surfactant metabolism dysfunction, pulmonary, 1. Last evaluated: 2019-08-08. Review status: criteria provided, single submitter. Criteria: ACMG Guidelines, 2015. Collection method: clinical testing. Allele origin: germline.

Illumina Laboratory Services, Illumina
Classification: Benign for Surfactant metabolism dysfunction, pulmonary, 1. Last evaluated: 2018-01-12. Review status: criteria provided, single submitter. Criteria: ICSL Variant Classification Criteria 13 December 2019. Collection method: clinical testing. Allele origin: germline.
Comment: This variant was observed in the ICSL laboratory as part of a predisposition screen in an ostensibly healthy population. It had not been previously curated by ICSL or reported in the Human Gene Mutation Database (HGMD: prior to June 1st, 2018), and was therefore a candidate for classification through an automated scoring system. Utilizing variant allele frequency, disease prevalence and penetrance estimates, and inheritance mode, an automated score was calculated to assess if this variant is too frequent to cause the disease. Based on the score and internal cut-off values, a variant classified as benign is not then subjected to further curation. The score for this variant resulted in a classification of benign for this disease.

Ambry Genetics
Classification: Benign for Hereditary pulmonary alveolar proteinosis. Last evaluated: 2017-03-27. Review status: criteria provided, single submitter. Criteria: Ambry Variant Classification Scheme 2023. Collection method: clinical testing. Allele origin: germline.

Breakthrough Genomics
Classification: Benign. Review status: criteria provided, single submitter. Criteria: ACMG Guidelines, 2015. Collection method: not provided. Allele origin: germline. Inheritance: Autosomal recessive inheritance. Affected: yes.

PreventionGenetics, part of Exact Sciences
Classification: Benign for SFTPB-related condition. Last evaluated: 2019-08-29. Review status: no assertion criteria provided. Collection method: clinical testing. Allele origin: germline. Not counted in ClinVar's aggregate classification.
Comment: This variant is classified as benign based on ACMG/AMP sequence variant interpretation guidelines (Richards et al. 2015 PMID: 25741868, with internal and published modifications).

NM_000542.5(SFTPB):c.847G>A (p.Ala283Thr)

Gene: SFTPB (surfactant protein B; minus strand). Cytogenetic location: 2p11.2.
Variant type: single nucleotide variant.
Coding change: c.847G>A on transcript NM_000542.5 (MANE Select); coding-DNA position 847, G replaced by A.
Protein change: p.Ala283Thr; replaces alanine 283 with threonine.
Molecular consequence: missense variant.
Genome position (GRCh38, 1-based): chr2:85,663,673, C>T on the plus strand (G>A on the coding strand, the complement: SFTPB is on the minus strand). VCF-style: chr2-85663673-C-T. GRCh37 (hg19) VCF-style: chr2-85890796-C-T.
Other names: c.847G>A, p.Ala283Thr (NM_001367281.2, NM_198843.4); short protein forms A283T.
Identifiers: ClinVar variation 337302 (VCV000337302.20), dbSNP rs36210375, ClinGen allele CA1743916.